The following is an entry in ClinVar:

ClinVar aggregate classification (germline): Uncertain significance (1 of 4 stars; one submission).

Conditions:
Primary ciliary dyskinesia 28. Also called: CILIARY DYSKINESIA, PRIMARY, 28, WITH OR WITHOUT SITUS INVERSUS. Identifiers: Orphanet 244, MedGen C3809706, MONDO:0014216, OMIM 615505.

Allele frequency attached by ClinVar (database versions not stated): TOPMed below 0.00001.
gnomAD v4.1: 4 of 1,602,822 alleles (0.00025%); highest among the groups gnomAD compares: Middle Eastern, 0.033%; no homozygotes.

Submission:

Labcorp Genetics (formerly Invitae), Labcorp
Classification: Uncertain significance for Primary ciliary dyskinesia 28. Last evaluated: 2025-05-19. Review status: criteria provided, single submitter. Criteria: Invitae Variant Classification Sherloc (09022015). Collection method: clinical testing. Allele origin: germline.
Comment: This sequence change replaces leucine, which is neutral and non-polar, with phenylalanine, which is neutral and non-polar, at codon 489 of the SPAG1 protein (p.Leu489Phe). This variant is not present in population databases (gnomAD no frequency). This variant has not been reported in the literature in individuals affected with SPAG1-related conditions. ClinVar contains an entry for this variant (Variation ID: 954991). Invitae Evidence Modeling of protein sequence and biophysical properties (such as structural, functional, and spatial information, amino acid conservation, physicochemical variation, residue mobility, and thermodynamic stability) indicates that this missense variant is expected to disrupt SPAG1 protein function with a positive predictive value of 80%. In summary, the available evidence is currently insufficient to determine the role of this variant in disease. Therefore, it has been classified as a Variant of Uncertain Significance.

NM_003114.5(SPAG1):c.1467A>C (p.Leu489Phe)

Gene: SPAG1 (sperm associated antigen 1; plus strand). Cytogenetic location: 8q22.2.
Variant type: single nucleotide variant.
Coding change: c.1467A>C on transcript NM_003114.5 (MANE Select); coding-DNA position 1467, A replaced by C.
Protein change: p.Leu489Phe; replaces leucine 489 with phenylalanine.
Molecular consequence: missense variant.
Genome position (GRCh38, 1-based): chr8:100,213,850, A>C. VCF-style: chr8-100213850-A-C. GRCh37 (hg19) VCF-style: chr8-101226078-A-C.
Other names: c.1467A>C, p.Leu489Phe (NM_001374321.1, NM_172218.3); short protein forms L489F.
Identifiers: ClinVar variation 954991 (VCV000954991.8), dbSNP rs977950141, ClinGen allele CA182383371.
Genomic context (GRCh38, chr8:100,213,850, plus strand): 5'-AACTGTATTTAATTAAATGTGATTTTTAGGAAGTGAAATTGCAGATGATCTAAGTATCTT[A>C]TATTCAAATAGAGCAGCATGTTACCTAAAAGAAGGAAACTGCAGTGGCTGCATTCAAGAT-3'
Protein context (NP_003105.2, residues 479-499): GSEIADDLSI[Leu489Phe]YSNRAACYLK